The following is an entry in ClinVar:

NM_001605.3(AARS1):c.911C>T (p.Thr304Ile)

Gene: AARS1 (alanyl-tRNA synthetase 1; minus strand). Cytogenetic location: 16q22.1.
Variant type: single nucleotide variant.
Coding change: c.911C>T on transcript NM_001605.3 (MANE Select); coding-DNA position 911, C replaced by T.
Protein change: p.Thr304Ile; replaces threonine 304 with isoleucine.
Molecular consequence: missense variant.
Genome position (GRCh38, 1-based): chr16:70,269,669, G>A on the plus strand (C>T on the coding strand, the complement: AARS1 is on the minus strand). VCF-style: chr16-70269669-G-A. GRCh37 (hg19) VCF-style: chr16-70303572-G-A.
Other names: short protein forms T304I.
Identifiers: ClinVar variation 1682270 (VCV001682270.6), dbSNP rs2152161709, ClinGen allele CA396564578.

ClinVar aggregate classification (germline): Uncertain significance (1 of 4 stars; one submission).

Conditions:
Charcot-Marie-Tooth disease type 2. Also called: Charcot-Marie-Tooth type 2. Identifiers: Orphanet 64746, MedGen C0270914, MONDO:0018993.

gnomAD v4.1: 1 of 1,614,136 alleles (0.000062%); highest among the groups gnomAD compares: South Asian, 0.0011%; no homozygotes.

Submission:

Labcorp Genetics (formerly Invitae), Labcorp
Classification: Uncertain significance for Charcot-Marie-Tooth disease type 2. Last evaluated: 2021-08-18. Review status: criteria provided, single submitter. Criteria: Invitae Variant Classification Sherloc (09022015). Collection method: clinical testing. Allele origin: germline.
Comment: This sequence change replaces threonine with isoleucine at codon 304 of the AARS protein (p.Thr304Ile). The threonine residue is highly conserved and there is a moderate physicochemical difference between threonine and isoleucine. This variant is not present in population databases (ExAC no frequency). This variant has not been reported in the literature in individuals affected with AARS-related conditions. Algorithms developed to predict the effect of missense changes on protein structure and function are either unavailable or do not agree on the potential impact of this missense change (SIFT: "Deleterious"; PolyPhen-2: "Probably Damaging"; Align-GVGD: "Class C0"). In summary, the available evidence is currently insufficient to determine the role of this variant in disease. Therefore, it has been classified as a Variant of Uncertain Significance.